The following is an entry in ClinVar:

ClinVar aggregate classification (germline): Uncertain significance (1 of 4 stars; one submission).

Conditions:
Glycine encephalopathy. Also called: Nonketotic hyperglycinemia; Non-ketotic hyperglycinemia. Identifiers: Orphanet 407, MedGen C0751748, MONDO:0011612, HP:0008288.

Allele frequency attached by ClinVar (database versions not stated): gnomAD exomes below 0.00001.
gnomAD v4.1: 3 of 1,606,584 alleles (0.00019%); highest among the groups gnomAD compares: Non-Finnish European, 0.00026%; no homozygotes.

Submission:

Labcorp Genetics (formerly Invitae), Labcorp
Classification: Uncertain significance for Glycine encephalopathy. Last evaluated: 2021-12-06. Review status: criteria provided, single submitter. Criteria: Invitae Variant Classification Sherloc (09022015). Collection method: clinical testing. Allele origin: germline.
Comment: This sequence change replaces proline, which is neutral and non-polar, with leucine, which is neutral and non-polar, at codon 554 of the GLDC protein (p.Pro554Leu). This variant is present in population databases (no rsID available, gnomAD 0.0009%). This variant has not been reported in the literature in individuals affected with GLDC-related conditions. ClinVar contains an entry for this variant (Variation ID: 1043948). Advanced modeling of protein sequence and biophysical properties (such as structural, functional, and spatial information, amino acid conservation, physicochemical variation, residue mobility, and thermodynamic stability) performed at Invitae indicates that this missense variant is expected to disrupt GLDC protein function. In summary, the available evidence is currently insufficient to determine the role of this variant in disease. Therefore, it has been classified as a Variant of Uncertain Significance.

NM_000170.3(GLDC):c.1661C>T (p.Pro554Leu)

Gene: GLDC (glycine decarboxylase; minus strand). Cytogenetic location: 9p24.1.
Variant type: single nucleotide variant.
Coding change: c.1661C>T on transcript NM_000170.3 (MANE Select); coding-DNA position 1661, C replaced by T.
Protein change: p.Pro554Leu; replaces proline 554 with leucine.
Molecular consequence: missense variant.
Genome position (GRCh38, 1-based): chr9:6,588,622, G>A on the plus strand (C>T on the coding strand, the complement: GLDC is on the minus strand). VCF-style: chr9-6588622-G-A. GRCh37 (hg19) VCF-style: chr9-6588622-G-A.
Other names: short protein forms P554L.
Identifiers: ClinVar variation 1043948 (VCV001043948.2), dbSNP rs1244239144, ClinGen allele CA372892436.